The following is an entry in ClinVar:

NM_000400.4(ERCC2):c.1639A>G (p.Ser547Gly)

Gene: ERCC2 (ERCC excision repair 2, TFIIH core complex helicase subunit; minus strand). Cytogenetic location: 19q13.32.
Variant type: single nucleotide variant.
Coding change: c.1639A>G on transcript NM_000400.4 (MANE Select); coding-DNA position 1639, A replaced by G.
Protein change: p.Ser547Gly; replaces serine 547 with glycine.
Molecular consequence: missense variant.
Genome position (GRCh38, 1-based): chr19:45,354,756, T>C on the plus strand (A>G on the coding strand, the complement: ERCC2 is on the minus strand). VCF-style: chr19-45354756-T-C. GRCh37 (hg19) VCF-style: chr19-45858014-T-C.
Other names: short protein forms S547G.
Identifiers: ClinVar variation 1776983 (VCV001776983.2), dbSNP rs747319235, ClinGen allele CA9513178.

ClinVar aggregate classification (germline): Uncertain significance (1 of 4 stars; one submission).

Conditions:
Inborn genetic diseases. Identifiers: MedGen C0950123, MeSH D030342.

Allele frequency attached by ClinVar (database versions not stated): gnomAD exomes below 0.00001; ExAC 0.00001; gnomAD 0.00001; TOPMed 0.00004.
gnomAD v4.1: 2 of 1,613,906 alleles (0.00012%); highest among the groups gnomAD compares: African/African-American, 0.0027%; no homozygotes.

Submission:

Ambry Genetics
Classification: Uncertain significance for Inborn genetic diseases. Last evaluated: 2022-06-12. Review status: criteria provided, single submitter. Criteria: Ambry Variant Classification Scheme 2023. Collection method: clinical testing. Allele origin: germline.
Comment: The p.S547G variant (also known as c.1639A>G), located in coding exon 17 of the ERCC2 gene, results from an A to G substitution at nucleotide position 1639. The serine at codon 547 is replaced by glycine, an amino acid with similar properties. This amino acid position is conserved. In addition, the in silico prediction for this alteration is inconclusive. Since supporting evidence is limited at this time, the clinical significance of this alteration remains unclear.